The following is an entry in ClinVar:

NM_004104.5(FASN):c.6730C>G (p.Leu2244Val)

Gene: FASN (fatty acid synthase; minus strand). Cytogenetic location: 17q25.3.
Variant type: single nucleotide variant.
Coding change: c.6730C>G on transcript NM_004104.5 (MANE Select); coding-DNA position 6730, C replaced by G.
Protein change: p.Leu2244Val; replaces leucine 2244 with valine.
Molecular consequence: missense variant.
Genome position (GRCh38, 1-based): chr17:82,080,788, G>C on the plus strand (C>G on the coding strand, the complement: FASN is on the minus strand). VCF-style: chr17-82080788-G-C. GRCh37 (hg19) VCF-style: chr17-80038664-G-C.
Other names: short protein forms L2244V.
Identifiers: ClinVar variation 2725924 (VCV002725924.3), dbSNP rs767758358, ClinGen allele CA8851208.

ClinVar aggregate classification (germline): Uncertain significance (1 of 4 stars; one submission).

Conditions:
Epileptic encephalopathy. Identifiers: MedGen C0543888, HP:0200134.

Allele frequency attached by ClinVar (database versions not stated): ExAC 0.00001; gnomAD 0.00001; gnomAD exomes 0.00001; TOPMed 0.00001.
gnomAD v4.1: 20 of 1,605,660 alleles (0.0012%); highest among the groups gnomAD compares: Non-Finnish European, 0.0015%; no homozygotes.

Submission:

Labcorp Genetics (formerly Invitae), Labcorp
Classification: Uncertain significance for Epileptic encephalopathy. Last evaluated: 2023-06-20. Review status: criteria provided, single submitter. Criteria: Invitae Variant Classification Sherloc (09022015). Collection method: clinical testing. Allele origin: germline.
Comment: This sequence change replaces leucine, which is neutral and non-polar, with valine, which is neutral and non-polar, at codon 2244 of the FASN protein (p.Leu2244Val). This variant is present in population databases (rs767758358, gnomAD 0.004%). This variant has not been reported in the literature in individuals affected with FASN-related conditions. An algorithm developed to predict the effect of missense changes on protein structure and function (PolyPhen-2) suggests that this variant is likely to be disruptive. In summary, the available evidence is currently insufficient to determine the role of this variant in disease. Therefore, it has been classified as a Variant of Uncertain Significance.